The following is an entry in ClinVar:

NM_001114753.3(ENG):c.446G>A (p.Trp149Ter)

Gene: ENG (endoglin; minus strand). Cytogenetic location: 9q34.11.
Variant type: single nucleotide variant.
Coding change: c.446G>A on transcript NM_001114753.3 (MANE Select); coding-DNA position 446, G replaced by A.
Protein change: p.Trp149Ter; replaces tryptophan 149 with a stop codon.
Molecular consequence: nonsense. On other transcripts: 5 prime UTR variant (1).
Genome position (GRCh38, 1-based): chr9:127,826,587, C>T on the plus strand (G>A on the coding strand, the complement: ENG is on the minus strand). VCF-style: chr9-127826587-C-T. GRCh37 (hg19) VCF-style: chr9-130588866-C-T.
Other names: p.W149*:TGG>TAG; c.446G>A, p.Trp149Ter (NM_000118.4, NM_001406715.1); c.-101G>A (NM_001278138.2); short protein forms W149*.
Identifiers: ClinVar variation 213207 (VCV000213207.8), dbSNP rs863223534, ClinGen allele CA320116.

ClinVar aggregate classification (germline): Pathogenic. Review status: criteria provided, multiple submitters, no conflicts (2 of 4 stars). 3 submissions from 3 submitters: Pathogenic (3). Last evaluated 2024-09-28.

Conditions:
Hereditary hemorrhagic telangiectasia (HHT). Also called: Osler hemorrhagic telangiectasia syndrome; ORW DISEASE; Osler Weber Rendu syndrome; OSLER-RENDU-WEBER DISEASE. Identifiers: Orphanet 774, MedGen C0039445, MONDO:0019180. Disease mechanism: loss of function.
Cardiovascular phenotype. Identifiers: MedGen CN230736.

Submissions (3):

Labcorp Genetics (formerly Invitae), Labcorp
Classification: Pathogenic for Hereditary hemorrhagic telangiectasia. Last evaluated: 2024-09-28. Review status: criteria provided, single submitter. Criteria: Invitae Variant Classification Sherloc (09022015). Collection method: clinical testing. Allele origin: germline.
Comment: This sequence change creates a premature translational stop signal (p.Trp149*) in the ENG gene. It is expected to result in an absent or disrupted protein product. Loss-of-function variants in ENG are known to be pathogenic (PMID: 15879500). This variant is not present in population databases (gnomAD no frequency). This premature translational stop signal has been observed in individual(s) with hereditary hemorrhagic telangiectasia (PMID: 16752392). ClinVar contains an entry for this variant (Variation ID: 213207). Algorithms developed to predict the effect of sequence changes on RNA splicing suggest that this variant may disrupt the consensus splice site. For these reasons, this variant has been classified as Pathogenic.

Ambry Genetics
Classification: Pathogenic for Cardiovascular phenotype. Last evaluated: 2024-01-26. Review status: criteria provided, single submitter. Criteria: Ambry Variant Classification Scheme 2023. Collection method: clinical testing. Allele origin: germline.
Comment: The p.W149* pathogenic mutation (also known as c.446G>A), located in coding exon 4 of the ENG gene, results from a G to A substitution at nucleotide position 446. This changes the amino acid from a tryptophan to a stop codon within coding exon 4. The p.W149* mutation, resulting from neighboring nucleotide substitution c.447G>A, has been reported in individuals with epistaxis and telangiectasias (Bossler AD et al. Hum. Mutat., 2006 Jul;27:667-75; Richards-Yutz J et al. Hum. Genet., 2010 Jul;128:61-77). This variant is considered to be rare based on population cohorts in the Genome Aggregation Database (gnomAD). In addition to the clinical data presented in the literature, this alteration is expected to result in loss of function by premature protein truncation or nonsense-mediated mRNA decay. As such, this alteration is interpreted as a disease-causing mutation.

GeneDx
Classification: Pathogenic. Last evaluated: 2014-05-15. Review status: criteria provided, single submitter. Criteria: GeneDx Variant Classification (06012015). Collection method: clinical testing. Allele origin: germline. Affected: yes.
Comment: p.Trp149Stop (TGG>TAG): c.446 G>A in exon 4 of the ENG gene (NM_000118.2)The W149X mutation in the ENG gene has has been published in a patient with HHT who demonstrated telangiectasias, epistaxis, and had a positive family history (Bossler et al., 2006). W149X is predicted to cause loss of normal protein function either by protein truncation or nonsense-mediated mRNA decay. Other nonsense mutations in the ENG gene have been reported in association with HHT. In summary, W149X in the ENG gene is interpreted as a disease-causing mutation. This variant was found in HHT-ARRHYTHMIA

Literature cited by the submitters: PubMed 15879500 (cited by Labcorp Genetics (formerly Invitae), Labcorp); PubMed 16752392 (cited by Labcorp Genetics (formerly Invitae), Labcorp and Ambry Genetics).